The following is an entry in ClinVar:

ClinVar aggregate classification (germline): Uncertain significance (1 of 4 stars; one submission).

Conditions:
EGFR-related lung cancer (EGFR). Identifiers: MedGen CN130014.

Submission:

Labcorp Genetics (formerly Invitae), Labcorp
Classification: Uncertain significance for EGFR-related lung cancer. Last evaluated: 2025-10-29. Review status: criteria provided, single submitter. Criteria: Invitae Variant Classification Sherloc (09022015). Collection method: clinical testing. Allele origin: germline.
Comment: This sequence change replaces lysine, which is basic and polar, with arginine, which is basic and polar, at codon 1061 of the EGFR protein (p.Lys1061Arg). This variant is not present in population databases (gnomAD no frequency). This variant has not been reported in the literature in individuals affected with EGFR-related conditions. An algorithm developed to predict the effect of missense changes on protein structure and function outputs the following: PolyPhen-2: "Benign". The arginine amino acid residue is found in multiple mammalian species, which suggests that this missense change does not adversely affect protein function. In summary, the available evidence is currently insufficient to determine the role of this variant in disease. Therefore, it has been classified as a Variant of Uncertain Significance.

NM_005228.5(EGFR):c.3182A>G (p.Lys1061Arg)

Gene: EGFR (epidermal growth factor receptor; plus strand). Cytogenetic location: 7p11.2.
Variant type: single nucleotide variant.
Coding change: c.3182A>G on transcript NM_005228.5 (MANE Select); coding-DNA position 3182, A replaced by G.
Protein change: p.Lys1061Arg; replaces lysine 1061 with arginine.
Molecular consequence: missense variant.
Genome position (GRCh38, 1-based): chr7:55,202,536, A>G. VCF-style: chr7-55202536-A-G. GRCh37 (hg19) VCF-style: chr7-55270229-A-G.
Other names: c.3047A>G, p.Lys1016Arg (NM_001346897.2, NM_001346899.2); c.3182A>G, p.Lys1061Arg (NM_001346898.2); c.3023A>G, p.Lys1008Arg (NM_001346900.2); c.2381A>G, p.Lys794Arg (NM_001346941.2); short protein forms K1008R, K1016R, K1061R, K794R.
Identifiers: ClinVar variation 4806154 (VCV004806154.1).